The following is an entry in ClinVar:

NM_001457.4(FLNB):c.2458A>G (p.Thr820Ala)

Gene: FLNB (filamin B; plus strand). Cytogenetic location: 3p14.3.
Variant type: single nucleotide variant.
Coding change: c.2458A>G on transcript NM_001457.4 (MANE Select); coding-DNA position 2458, A replaced by G.
Protein change: p.Thr820Ala; replaces threonine 820 with alanine.
Molecular consequence: missense variant.
Genome position (GRCh38, 1-based): chr3:58,110,144, A>G. VCF-style: chr3-58110144-A-G. GRCh37 (hg19) VCF-style: chr3-58095871-A-G.
Other names: c.2458A>G, p.Thr820Ala (NM_001164317.2, NM_001164318.2, NM_001164319.2); short protein forms T820A.
Identifiers: ClinVar variation 1473580 (VCV001473580.8), dbSNP rs1328660392, ClinGen allele CA353344940.

ClinVar aggregate classification (germline): Uncertain significance (1 of 4 stars; one submission).

Allele frequency attached by ClinVar (database versions not stated): gnomAD exomes below 0.00001 and 0.00001.
gnomAD v4.1: 2 of 1,614,170 alleles (0.00012%); highest among the groups gnomAD compares: Admixed American, 0.0033%; no homozygotes.

Submission:

Labcorp Genetics (formerly Invitae), Labcorp
Classification: Uncertain significance. Last evaluated: 2022-07-11. Review status: criteria provided, single submitter. Criteria: Invitae Variant Classification Sherloc (09022015). Collection method: clinical testing. Allele origin: germline.
Comment: In summary, the available evidence is currently insufficient to determine the role of this variant in disease. Therefore, it has been classified as a Variant of Uncertain Significance. Algorithms developed to predict the effect of missense changes on protein structure and function (SIFT, PolyPhen-2, Align-GVGD) all suggest that this variant is likely to be disruptive. ClinVar contains an entry for this variant (Variation ID: 1473580). This variant has not been reported in the literature in individuals affected with FLNB-related conditions. This variant is present in population databases (no rsID available, gnomAD 0.006%). This sequence change replaces threonine, which is neutral and polar, with alanine, which is neutral and non-polar, at codon 820 of the FLNB protein (p.Thr820Ala).